The following is an entry in ClinVar:

ClinVar aggregate classification (germline): Conflicting classifications of pathogenicity. Review status: criteria provided, conflicting classifications (1 of 4 stars). 3 submissions from 3 submitters: Uncertain significance (2); Likely benign (1). Last evaluated 2024-09-23.

Conditions:
Fanconi anemia complementation group J. Also called: BRIP1-Related Fanconi Anemia. Identifiers: Orphanet 84, MedGen C1836860, MONDO:0012187, OMIM 609054.
Familial cancer of breast. Also called: hereditary breast carcinoma; BREAST CANCER, FAMILIAL; Hereditary breast cancer. Identifiers: Orphanet 227535, MedGen C0346153, MONDO:0016419, OMIM 114480. Disease mechanism: loss of function.
Hereditary cancer-predisposing syndrome. Also called: Tumor predisposition; Hereditary Cancer Syndrome; Hereditary neoplastic syndrome; Neoplastic Syndromes, Hereditary. Identifiers: Orphanet 140162, MedGen C0027672, MeSH D009386, MONDO:0015356.

Submissions (3):

Color Diagnostics, LLC DBA Color Health
Classification: Uncertain significance for Hereditary cancer-predisposing syndrome. Last evaluated: 2024-09-23. Review status: criteria provided, single submitter. Criteria: ACMG Guidelines, 2015. Collection method: clinical testing. Allele origin: germline.
Comment: This missense variant replaces leucine with phenylalanine at codon 1093 of the BRIP1 protein. Computational prediction suggests that this variant may not impact protein structure and function (internally defined REVEL score threshold <= 0.5, PMID: 27666373). To our knowledge, functional studies have not been reported for this variant. This variant has not been reported in individuals affected with BRIP1-related disorders in the literature. This variant has not been identified in the general population by the Genome Aggregation Database (gnomAD). The available evidence is insufficient to determine the role of this variant in disease conclusively. Therefore, this variant is classified as a Variant of Uncertain Significance.

Ambry Genetics
Classification: Likely benign for Hereditary cancer-predisposing syndrome. Last evaluated: 2023-12-05. Review status: criteria provided, single submitter. Criteria: Ambry Variant Classification Scheme 2023. Collection method: clinical testing. Allele origin: germline.

Labcorp Genetics (formerly Invitae), Labcorp
Classification: Uncertain significance for Familial cancer of breast; Fanconi anemia complementation group J. Last evaluated: 2023-09-20. Review status: criteria provided, single submitter. Criteria: Invitae Variant Classification Sherloc (09022015). Collection method: clinical testing. Allele origin: germline.
Comment: This sequence change replaces leucine, which is neutral and non-polar, with phenylalanine, which is neutral and non-polar, at codon 1093 of the BRIP1 protein (p.Leu1093Phe). This variant is not present in population databases (gnomAD no frequency). This variant has not been reported in the literature in individuals affected with BRIP1-related conditions. ClinVar contains an entry for this variant (Variation ID: 233788). Algorithms developed to predict the effect of missense changes on protein structure and function output the following: SIFT: "Not Available"; PolyPhen-2: "Benign"; Align-GVGD: "Not Available". The phenylalanine amino acid residue is found in multiple mammalian species, which suggests that this missense change does not adversely affect protein function. In summary, the available evidence is currently insufficient to determine the role of this variant in disease. Therefore, it has been classified as a Variant of Uncertain Significance.

NM_032043.3(BRIP1):c.3277C>T (p.Leu1093Phe)

Gene: BRIP1 (BRCA1 interacting DNA helicase 1; minus strand). Cytogenetic location: 17q23.2.
Variant type: single nucleotide variant.
Coding change: c.3277C>T on transcript NM_032043.3 (MANE Select); coding-DNA position 3277, C replaced by T.
Protein change: p.Leu1093Phe; replaces leucine 1093 with phenylalanine.
Molecular consequence: missense variant.
Genome position (GRCh38, 1-based): chr17:61,683,769, G>A on the plus strand (C>T on the coding strand, the complement: BRIP1 is on the minus strand). VCF-style: chr17-61683769-G-A. GRCh37 (hg19) VCF-style: chr17-59761130-G-A.
Other names: short protein forms L1093F.
Identifiers: ClinVar variation 233788 (VCV000233788.9), dbSNP rs876660638, ClinGen allele CA10580779.